The following is an entry in ClinVar:

ClinVar aggregate classification (germline): Uncertain significance (1 of 4 stars; one submission).

Allele frequency attached by ClinVar (database versions not stated): gnomAD 0.00001 and 0.00002; gnomAD exomes 0.00001 and 0.00002; TOPMed 0.00001; ExAC 0.00003; 1000 Genomes Project 30x 0.00016; 1000 Genomes Project 0.00020.
gnomAD v4.1: 11 of 1,613,542 alleles (0.00068%); highest among the groups gnomAD compares: Admixed American, 0.0067%; no homozygotes.

Submission:

Laboratory for Molecular Medicine, Mass General Brigham Personalized Medicine
Classification: Uncertain significance. Last evaluated: 2017-07-20. Review status: criteria provided, single submitter. Criteria: LMM Criteria. Collection method: clinical testing. Allele origin: germline. Observed: 1 variant allele.
Comment: The p.Ala1882Thr variant in MYH14 has not been previously reported in individual s with hearing loss, but has been identified in 3/30662 South Asian chromosomes by the Genome Aggregation Database (gnomAD; db SNP rs200566974). Although this variant has been seen in the general population, its frequency is not high enough to rule out a pathogenic role. Computational p rediction tools and conservation analysis do not provide strong support for or a gainst an impact to the protein. In summary, the clinical significance of the p. Ala1882Thr variant is uncertain.

NM_001145809.2(MYH14):c.5644G>A (p.Ala1882Thr)

Gene: MYH14 (myosin heavy chain 14; plus strand). Cytogenetic location: 19q13.33.
Variant type: single nucleotide variant.
Coding change: c.5644G>A on transcript NM_001145809.2 (MANE Select); coding-DNA position 5644, G replaced by A.
Protein change: p.Ala1882Thr; replaces alanine 1882 with threonine.
Molecular consequence: missense variant.
Genome position (GRCh38, 1-based): chr19:50,301,835, G>A. VCF-style: chr19-50301835-G-A. GRCh37 (hg19) VCF-style: chr19-50805092-G-A.
Other names: c.5545G>A, p.Ala1849Thr (NM_001077186.2); c.5521G>A, p.Ala1841Thr (NM_024729.4); short protein forms A1882T, A1849T, A1841T.
Identifiers: ClinVar variation 517486 (VCV000517486.4), dbSNP rs200566974, ClinGen allele CA9593865.